The following is an entry in ClinVar:

ClinVar aggregate classification (germline): Uncertain significance (1 of 4 stars; one submission).

Conditions:
Brachyolmia-amelogenesis imperfecta syndrome. Also called: Tooth agenesis, selective, 6; Dental anomalies and short stature; PLATYSPONDYLY WITH AMELOGENESIS IMPERFECTA. Identifiers: Orphanet 2899, MedGen C1832594, MONDO:0011018, OMIM 601216. Disease mechanism: loss of function.

gnomAD v4.1: 1 of 1,603,550 alleles (0.000062%); no homozygotes.

Submission:

Labcorp Genetics (formerly Invitae), Labcorp
Classification: Uncertain significance for Brachyolmia-amelogenesis imperfecta syndrome. Last evaluated: 2024-05-24. Review status: criteria provided, single submitter. Criteria: Invitae Variant Classification Sherloc (09022015). Collection method: clinical testing. Allele origin: germline.
Comment: This sequence change replaces alanine, which is neutral and non-polar, with valine, which is neutral and non-polar, at codon 67 of the LTBP3 protein (p.Ala67Val). The frequency data for this variant in the population databases is considered unreliable, as metrics indicate poor data quality at this position in the gnomAD database. This variant has not been reported in the literature in individuals affected with LTBP3-related conditions. An algorithm developed to predict the effect of missense changes on protein structure and function (PolyPhen-2) suggests that this variant is likely to be tolerated. In summary, the available evidence is currently insufficient to determine the role of this variant in disease. Therefore, it has been classified as a Variant of Uncertain Significance.

NM_001130144.3(LTBP3):c.200C>T (p.Ala67Val)

Gene: LTBP3 (latent transforming growth factor beta binding protein 3; minus strand). Cytogenetic location: 11q13.1.
Variant type: single nucleotide variant.
Coding change: c.200C>T on transcript NM_001130144.3 (MANE Select); coding-DNA position 200, C replaced by T.
Protein change: p.Ala67Val; replaces alanine 67 with valine.
Molecular consequence: missense variant. On other transcripts: 5 prime UTR variant (1).
Genome position (GRCh38, 1-based): chr11:65,557,760, G>A on the plus strand (C>T on the coding strand, the complement: LTBP3 is on the minus strand). VCF-style: chr11-65557760-G-A. GRCh37 (hg19) VCF-style: chr11-65325231-G-A.
Other names: c.-148C>T (NM_001164266.1); c.200C>T, p.Ala67Val (NM_021070.4); short protein forms A67V.
Identifiers: ClinVar variation 3712449 (VCV003712449.2).
Genomic context (GRCh38, chr11:65,557,760, plus strand): 5'-CCCTGCTGACAACTGTCCCGACACTGGCCCTTGAGACAGGTCCGCTTGCAGATCACCGGC[G>A]CAAAGACCACCTTGAAGCGCTCGCGGGCCAGCGCCCCGCCCCCGCCTGCGCCCCGCTCGC-3'
Protein context (NP_001123616.1, residues 57-77): LARERFKVVF[Ala67Val]PVICKRTCLK